The following is an entry in ClinVar:

ClinVar aggregate classification (germline): Uncertain significance (1 of 4 stars; one submission).

Allele frequency attached by ClinVar (database versions not stated): TOPMed below 0.00001; gnomAD 0.00001.
gnomAD v4.1: 1 of 1,613,950 alleles (0.000062%); highest among the groups gnomAD compares: Non-Finnish European, 0.000085%; no homozygotes.

Submission:

Labcorp Genetics (formerly Invitae), Labcorp
Classification: Uncertain significance. Last evaluated: 2022-07-02. Review status: criteria provided, single submitter. Criteria: Invitae Variant Classification Sherloc (09022015). Collection method: clinical testing. Allele origin: germline.
Comment: In summary, the available evidence is currently insufficient to determine the role of this variant in disease. Therefore, it has been classified as a Variant of Uncertain Significance. Algorithms developed to predict the effect of missense changes on protein structure and function (SIFT, PolyPhen-2, Align-GVGD) all suggest that this variant is likely to be disruptive. This variant has not been reported in the literature in individuals affected with FAT4-related conditions. This variant is not present in population databases (gnomAD no frequency). This sequence change replaces valine, which is neutral and non-polar, with aspartic acid, which is acidic and polar, at codon 4520 of the FAT4 protein (p.Val4520Asp).

NM_001291303.3(FAT4):c.13565T>A (p.Val4522Asp)

Gene: FAT4 (FAT atypical cadherin 4; plus strand). Cytogenetic location: 4q28.1.
Variant type: single nucleotide variant.
Coding change: c.13565T>A on transcript NM_001291303.3 (MANE Select); coding-DNA position 13565, T replaced by A.
Protein change: p.Val4522Asp; replaces valine 4522 with aspartic acid.
Molecular consequence: missense variant.
Genome position (GRCh38, 1-based): chr4:125,490,381, T>A. VCF-style: chr4-125490381-T-A. GRCh37 (hg19) VCF-style: chr4-126411536-T-A.
Other names: c.13562T>A, p.Val4521Asp (NM_001291285.3); c.13559T>A, p.Val4520Asp (NM_024582.6); short protein forms V4520D, V4521D, V4522D.
Identifiers: ClinVar variation 2013250 (VCV002013250.4), dbSNP rs1727580520, ClinGen allele CA358136989.